The following is an entry in ClinVar:

ClinVar aggregate classification (germline): Uncertain significance (1 of 4 stars; one submission).

Submission:

GeneDx
Classification: Uncertain significance. Last evaluated: 2022-04-29. Review status: criteria provided, single submitter. Criteria: GeneDx Variant Classification Process June 2021. Collection method: clinical testing. Allele origin: germline. Affected: yes.
Comment: Not observed at significant frequency in large population cohorts (gnomAD); Nucleotide substitution has no predicted effect on splicing and is not conserved across species; Has not been previously published as pathogenic or benign to our knowledge; Regulatory variants have not been reported in the Human Gene Mutation Database in individuals with KAT6B-related disorders (HGMD); This variant could disrupt the regulatory region of the KAT6B gene

NM_012330.4(KAT6B):c.-2C>T

Gene: KAT6B (lysine acetyltransferase 6B; plus strand). Cytogenetic location: 10q22.2.
Variant type: single nucleotide variant.
Coding change: c.-2C>T on transcript NM_012330.4 (MANE Select); 2 bases upstream of the start codon, C replaced by T.
Molecular consequence: 5 prime UTR variant.
Genome position (GRCh38, 1-based): chr10:74,842,856, C>T. VCF-style: chr10-74842856-C-T. GRCh37 (hg19) VCF-style: chr10-76602614-C-T.
Other names: c.-2C>T (NM_001256468.2, NM_001256469.2, NM_001370132.1 and 10 more transcripts); c.-540C>T (NM_001370134.1, NM_001370135.1).
Identifiers: ClinVar variation 1712857 (VCV001712857.2), dbSNP rs2548332653, ClinGen allele CA2580081953.